The following is an entry in ClinVar:

NM_000264.5(PTCH1):c.585-1G>C

Gene: PTCH1 (patched 1; minus strand). Cytogenetic location: 9q22.32.
Variant type: single nucleotide variant.
Coding change: c.585-1G>C on transcript NM_000264.5 (MANE Select); the canonical splice acceptor site of the intron before coding-DNA position 585, G replaced by C.
Molecular consequence: splice acceptor variant.
Genome position (GRCh38, 1-based): chr9:95,482,204, C>G on the plus strand (G>C on the coding strand, the complement: PTCH1 is on the minus strand). VCF-style: chr9-95482204-C-G. GRCh37 (hg19) VCF-style: chr9-98244486-C-G.
Other names: c.582-1G>C (NM_001083603.3); c.387-1G>C (NM_001083602.3, NM_001354919.2); c.585-1G>C (NM_001354918.2); c.132-1G>C (NM_001083605.3, NM_001083604.3, NM_001083606.3 and 1 more transcripts).
Identifiers: ClinVar variation 379374 (VCV000379374.11), dbSNP rs1057520590, ClinGen allele CA16605923.

ClinVar aggregate classification (germline): Pathogenic. Review status: criteria provided, multiple submitters, no conflicts (2 of 4 stars). 2 submissions from 2 submitters: Pathogenic (2). Last evaluated 2020-01-17.

Conditions:
Gorlin syndrome. Also called: Basal cell nevus syndrome; Nevoid Basal Cell Carcinoma Syndrome. Identifiers: Orphanet 377, MedGen C0004779, MONDO:0007187.

Submissions (2):

Labcorp Genetics (formerly Invitae), Labcorp
Classification: Pathogenic for Gorlin syndrome. Last evaluated: 2020-01-17. Review status: criteria provided, single submitter. Criteria: Invitae Variant Classification Sherloc (09022015). Collection method: clinical testing. Allele origin: germline.
Comment: This sequence change affects an acceptor splice site in intron 3 of the PTCH1 gene. It is expected to disrupt RNA splicing and likely results in an absent or disrupted protein product. This variant is not present in population databases (ExAC no frequency). Disruption of this splice site has been observed in individuals with basal cell nevus syndrome (PMID: 22952776, 24816767, Invitae). Algorithms developed to predict the effect of sequence changes on RNA splicing suggest that this variant may disrupt the consensus splice site, but this prediction has not been confirmed by published transcriptional studies. Donor and acceptor splice site variants typically lead to a loss of protein function (PMID: 16199547), and loss-of-function variants in PTCH1 are known to be pathogenic (PMID: 16301862, 16419085). For these reasons, this variant has been classified as Pathogenic.

GeneDx
Classification: Pathogenic. Last evaluated: 2019-08-08. Review status: criteria provided, single submitter. Criteria: GeneDx Variant Classification Process June 2021. Collection method: clinical testing. Allele origin: germline. Affected: yes.
Comment: Canonical splice site variant in a gene for which loss-of-function is a known mechanism of disease; Not observed in large population cohorts (Lek et al., 2016); Has not been previously published as pathogenic or benign to our knowledge

Literature cited by the submitters: PubMed 22952776 (cited by Labcorp Genetics (formerly Invitae), Labcorp); PubMed 24816767 (cited by Labcorp Genetics (formerly Invitae), Labcorp); PubMed 16199547 (cited by Labcorp Genetics (formerly Invitae), Labcorp); PubMed 16301862 (cited by Labcorp Genetics (formerly Invitae), Labcorp); PubMed 16419085 (cited by Labcorp Genetics (formerly Invitae), Labcorp).